The following is an entry in ClinVar:

NM_000097.7(CPOX):c.826T>G (p.Trp276Gly)

Gene: CPOX (coproporphyrinogen oxidase; minus strand). Cytogenetic location: 3q11.2.
Variant type: single nucleotide variant.
Coding change: c.826T>G on transcript NM_000097.7 (MANE Select); coding-DNA position 826, T replaced by G.
Protein change: p.Trp276Gly; replaces tryptophan 276 with glycine.
Molecular consequence: missense variant.
Genome position (GRCh38, 1-based): chr3:98,588,840, A>C on the plus strand (T>G on the coding strand, the complement: CPOX is on the minus strand). VCF-style: chr3-98588840-A-C. GRCh37 (hg19) VCF-style: chr3-98307684-A-C.
Other names: short protein forms W276G.
Identifiers: ClinVar variation 3639511 (VCV003639511.2).

ClinVar aggregate classification (germline): Uncertain significance (1 of 4 stars; one submission).

Submission:

Labcorp Genetics (formerly Invitae), Labcorp
Classification: Uncertain significance. Last evaluated: 2024-02-07. Review status: criteria provided, single submitter. Criteria: Invitae Variant Classification Sherloc (09022015). Collection method: clinical testing. Allele origin: germline.
Comment: This sequence change replaces tryptophan, which is neutral and slightly polar, with glycine, which is neutral and non-polar, at codon 276 of the CPOX protein (p.Trp276Gly). This variant is not present in population databases (gnomAD no frequency). This variant has not been reported in the literature in individuals affected with CPOX-related conditions. Advanced modeling of protein sequence and biophysical properties (such as structural, functional, and spatial information, amino acid conservation, physicochemical variation, residue mobility, and thermodynamic stability) performed at Invitae indicates that this missense variant is expected to disrupt CPOX protein function with a positive predictive value of 80%. In summary, the available evidence is currently insufficient to determine the role of this variant in disease. Therefore, it has been classified as a Variant of Uncertain Significance.